The following is an entry in ClinVar:

NM_000217.3(KCNA1):c.745T>C (p.Phe249Leu)

Gene: KCNA1 (potassium voltage-gated channel subfamily A member 1; plus strand). Cytogenetic location: 12p13.32.
Variant type: single nucleotide variant.
Coding change: c.745T>C on transcript NM_000217.3 (MANE Select); coding-DNA position 745, T replaced by C.
Protein change: p.Phe249Leu; replaces phenylalanine 249 with leucine.
Molecular consequence: missense variant.
Genome position (GRCh38, 1-based): chr12:4,912,123, T>C. VCF-style: chr12-4912123-T-C. GRCh37 (hg19) VCF-style: chr12-5021289-T-C.
Other names: p.Phe249Leu; short protein forms F249L.
Identifiers: ClinVar variation 2700132 (VCV002700132.5), dbSNP rs104894356, ClinGen allele CA383455235.

ClinVar aggregate classification (germline): Conflicting classifications of pathogenicity. Review status: criteria provided, conflicting classifications (1 of 4 stars). 3 submissions from 3 submitters: Likely pathogenic (2); Uncertain significance (1). Last evaluated 2025-06-11.

Conditions:
Episodic ataxia type 1 (EA1). Also called: ATAXIA, EPISODIC, WITH MYOKYMIA; MYOKYMIA WITH PERIODIC ATAXIA; PAROXYSMAL ATAXIA WITH NEUROMYOTONIA, HEREDITARY; Episodic ataxia/myokymia syndrome. Identifiers: Orphanet 37612, Orphanet 972, MedGen C1719788, MONDO:0008047, OMIM 160120.

Submissions (3):

Mayo Clinic Laboratories, Mayo Clinic
Classification: Likely pathogenic. Last evaluated: 2025-06-11. Review status: criteria provided, single submitter. Criteria: ACMG Guidelines, 2015. Collection method: clinical testing. Allele origin: germline. Observed: 1 variant allele.
Comment: PP2, PP3_strong, PM2_supporting, PM5

Molecular Diagnostics Laboratory, M Health Fairview: University of Minnesota
Classification: Likely pathogenic for Episodic ataxia type 1. Last evaluated: 2024-12-13. Review status: criteria provided, single submitter. Criteria: ACMG Guidelines, 2015. Collection method: clinical testing. Allele origin: germline. Affected: yes.

Labcorp Genetics (formerly Invitae), Labcorp
Classification: Uncertain significance for Episodic ataxia type 1. Last evaluated: 2023-12-01. Review status: criteria provided, single submitter. Criteria: Invitae Variant Classification Sherloc (09022015). Collection method: clinical testing. Allele origin: germline.
Comment: This sequence change replaces phenylalanine, which is neutral and non-polar, with leucine, which is neutral and non-polar, at codon 249 of the KCNA1 protein (p.Phe249Leu). This variant is not present in population databases (gnomAD no frequency). This variant has not been reported in the literature in individuals affected with KCNA1-related conditions. Advanced modeling of protein sequence and biophysical properties (such as structural, functional, and spatial information, amino acid conservation, physicochemical variation, residue mobility, and thermodynamic stability) performed at Invitae indicates that this missense variant is expected to disrupt KCNA1 protein function with a positive predictive value of 80%. This variant disrupts the p.Phe249 amino acid residue in KCNA1. Other variant(s) that disrupt this residue have been determined to be pathogenic (PMID: 7842011, 8845167, 9526001). This suggests that this residue is clinically significant, and that variants that disrupt this residue are likely to be disease-causing. In summary, the available evidence is currently insufficient to determine the role of this variant in disease. Therefore, it has been classified as a Variant of Uncertain Significance.

Literature cited by the submitters: PubMed 7842011 (cited by Mayo Clinic Laboratories, Mayo Clinic and Labcorp Genetics (formerly Invitae), Labcorp); PubMed 8845167 (cited by Mayo Clinic Laboratories, Mayo Clinic and Labcorp Genetics (formerly Invitae), Labcorp); PubMed 9526001 (cited by Mayo Clinic Laboratories, Mayo Clinic and Labcorp Genetics (formerly Invitae), Labcorp).